The following is an entry in ClinVar:

ClinVar aggregate classification (germline): Conflicting classifications of pathogenicity. Review status: criteria provided, conflicting classifications (1 of 4 stars). 2 submissions from 2 submitters: Uncertain significance (1); Likely benign (1). Last evaluated 2026-03-15.

Conditions:
Cardiovascular phenotype. Identifiers: MedGen CN230736.
Hereditary hemorrhagic telangiectasia (HHT). Also called: ORW DISEASE; Osler Weber Rendu syndrome; OSLER-RENDU-WEBER DISEASE; Osler hemorrhagic telangiectasia syndrome. Identifiers: Orphanet 774, MedGen C0039445, MONDO:0019180. Disease mechanism: loss of function.

Allele frequency attached by ClinVar (database versions not stated): ExAC 0.00001; ESP Exome Variant Server 0.00008.

Submissions (2):

Ambry Genetics
Classification: Uncertain significance for Cardiovascular phenotype. Last evaluated: 2026-03-15. Review status: criteria provided, single submitter. Criteria: Ambry Variant Classification Scheme 2023. Collection method: clinical testing. Allele origin: germline.
Comment: The p.N134D variant (also known as c.400A>G), located in coding exon 4 of the ENG gene, results from an A to G substitution at nucleotide position 400. The asparagine at codon 134 is replaced by aspartic acid, an amino acid with highly similar properties. This amino acid position is conserved. In addition, this alteration is predicted to be tolerated by in silico analysis. Based on the available evidence, the clinical significance of this variant remains unclear.

Labcorp Genetics (formerly Invitae), Labcorp
Classification: Likely benign for Hereditary hemorrhagic telangiectasia. Last evaluated: 2022-10-19. Review status: criteria provided, single submitter. Criteria: Invitae Variant Classification Sherloc (09022015). Collection method: clinical testing. Allele origin: germline.

NM_001114753.3(ENG):c.400A>G (p.Asn134Asp)

Gene: ENG (endoglin; minus strand). Cytogenetic location: 9q34.11.
Variant type: single nucleotide variant.
Coding change: c.400A>G on transcript NM_001114753.3 (MANE Select); coding-DNA position 400, A replaced by G.
Protein change: p.Asn134Asp; replaces asparagine 134 with aspartic acid.
Molecular consequence: missense variant. On other transcripts: 5 prime UTR variant (1).
Genome position (GRCh38, 1-based): chr9:127,826,633, T>C on the plus strand (A>G on the coding strand, the complement: ENG is on the minus strand). VCF-style: chr9-127826633-T-C. GRCh37 (hg19) VCF-style: chr9-130588912-T-C.
Other names: c.400A>G, p.Asn134Asp (NM_000118.4, NM_001406715.1); c.-147A>G (NM_001278138.2); c.400A>G (NM_001114753.1); short protein forms N134D.
Identifiers: ClinVar variation 2101407 (VCV002101407.5), dbSNP rs368791834, ClinGen allele CA5253127.